The following is an entry in ClinVar:

ClinVar aggregate classification (germline): Pathogenic/Likely pathogenic. Review status: criteria provided, multiple submitters, no conflicts (2 of 4 stars). 3 submissions from 3 submitters: Pathogenic (2); Likely pathogenic (1). Last evaluated 2024-10-08.

Conditions:
Cutis laxa. Identifiers: Orphanet 209, MedGen C0010495, MONDO:0016175, HP:0000973.
PYCR1-related de Barsy syndrome. Also called: CUTIS LAXA, AUTOSOMAL RECESSIVE, TYPE IIIB; DE BARSY SYNDROME B. Identifiers: Orphanet 293633, Orphanet 2962, MedGen C3280799, MONDO:0013755, OMIM 614438.
Inborn genetic diseases. Identifiers: MedGen C0950123, MeSH D030342.

Allele frequency attached by ClinVar (database versions not stated): gnomAD exomes below 0.00001 and 0.00002; ExAC 0.00002.

Submissions (3):

Women's Health and Genetics/Laboratory Corporation of America, LabCorp
Classification: Pathogenic for Cutis laxa. Last evaluated: 2024-10-08. Review status: criteria provided, single submitter. Criteria: LabCorp Variant Classification Summary - May 2015. Collection method: clinical testing. Allele origin: germline.
Comment: Variant summary: PYCR1 c.138+1G>A is located in a canonical splice-site and is predicted to affect mRNA splicing resulting in a significantly altered protein due to either exon skipping, shortening, or inclusion of intronic material. Variants that disrupt the consensus splice site are a relatively common cause of aberrant splicing and loss of PYCR1 function. Several computational tools predict a significant impact on normal splicing: Four predict the variant abolishes the canonical 5' splicing donor site. However, these predictions have yet to be confirmed by functional studies. The variant allele was found at a frequency of 1.6e-05 in 250792 control chromosomes. c.138+1G>A has been reported in the literature in individuals affected with cutis laxa with progeroid features (examples, Dimopoulou_2013, Reversade_2009). These data indicate that the variant is likely to be associated with disease. To our knowledge, no experimental evidence demonstrating an impact on protein function has been reported. The following publications have been ascertained in the context of this evaluation (PMID: 24035636, 19648921). ClinVar contains an entry for this variant (Variation ID: 521586). Based on the evidence outlined above, the variant was classified as pathogenic.

Neuberg Centre For Genomic Medicine, NCGM
Classification: Likely pathogenic for PYCR1-related de Barsy syndrome. Last evaluated: 2024-02-01. Review status: criteria provided, single submitter. Criteria: ACMG Guidelines, 2015. Collection method: clinical testing. Allele origin: germline. Inheritance: Autosomal recessive inheritance.
Comment: The invariant splice donor c.138+1G>A in PYCR1 gene has been previously reported in homozygous state in individual(s) affected with PYCR1 related Cutis laxa (Kariminejad A et al. 2017; Dimopoulou et al. 2013). This variant has been observed to segregate with disease in related individuals. The c.138+1G>A variant is present with allele frequency of 0.002% in gnomAD Exomes. This variant has been submitted to the ClinVar database as Pathogenic. SpliceAI predicts this variant to cause splice donor loss (score-0.98). Loss of function variants have been previously reported to be disease causing. Additional functional studies will be required to prove the pathogenicity of this variant conclusively. For these reasons, this variant has been classified as Likely Pathogenic. This variant has been detected at a low depth and hence confirmation via an alternate method is recommended. Variant testing for PYCR1 in fetal DNA as well as parents is recommended.

Ambry Genetics
Classification: Pathogenic for Inborn genetic diseases. Last evaluated: 2017-02-20. Review status: criteria provided, single submitter. Criteria: Ambry exome assertion method (8-5-2015). Collection method: clinical testing. Allele origin: germline. Affected: yes. Observed: 1 variant allele.

Literature cited by the submitters: PubMed 24035636 (cited by Women's Health and Genetics/Laboratory Corporation of America, LabCorp); PubMed 19648921 (cited by Women's Health and Genetics/Laboratory Corporation of America, LabCorp).

NM_006907.4(PYCR1):c.138+1G>A

Gene: PYCR1 (pyrroline-5-carboxylate reductase 1; minus strand). Cytogenetic location: 17q25.3.
Variant type: single nucleotide variant.
Coding change: c.138+1G>A on transcript NM_006907.4 (MANE Select); the canonical splice donor site of the intron after coding-DNA position 138, G replaced by A.
Molecular consequence: splice donor variant.
Genome position (GRCh38, 1-based): chr17:81,936,122, C>T on the plus strand (G>A on the coding strand, the complement: PYCR1 is on the minus strand). VCF-style: chr17-81936122-C-T. GRCh37 (hg19) VCF-style: chr17-79893998-C-T.
Other names: c.138+1G>A (NM_001282279.2, NM_001330523.2, NM_001282280.2 and 1 more transcripts); c.219+1G>A (NM_001282281.2).
Identifiers: ClinVar variation 521586 (VCV000521586.6), dbSNP rs755867227, ClinGen allele CA8845562.